The following is an entry in ClinVar:

NM_138420.4(AHNAK2):c.13966G>A (p.Val4656Ile)

Gene: AHNAK2 (AHNAK nucleoprotein 2; minus strand). Cytogenetic location: 14q32.33.
Variant type: single nucleotide variant.
Coding change: c.13966G>A on transcript NM_138420.4 (MANE Select); coding-DNA position 13966, G replaced by A.
Protein change: p.Val4656Ile; replaces valine 4656 with isoleucine.
Molecular consequence: missense variant.
Genome position (GRCh38, 1-based): chr14:104,941,485, C>T on the plus strand (G>A on the coding strand, the complement: AHNAK2 is on the minus strand). VCF-style: chr14-104941485-C-T. GRCh37 (hg19) VCF-style: chr14-105407822-C-T.
Other names: c.13666G>A, p.Val4556Ile (NM_001350929.2); short protein forms V4556I, V4656I.
Identifiers: ClinVar variation 3251198 (VCV003251198.18), dbSNP rs1278171541.
Genomic context (GRCh38, chr14:104,941,485, plus strand): 5'-CACCTTCATGAACAACAGATTCCACAATGGGAAATGTGGAAGTCTTCTCATGGAATGTAA[C>T]ATTTCCTTCGATTTCAGAGGAAGACATGGAAACTTTCTTTGACGACCATTCAAAACCAGA-3'
Protein context (NP_612429.2, residues 4646-4666): SMSSSEIEGN[Val4656Ile]TFHEKTSTFP

ClinVar aggregate classification (germline): Likely benign (1 of 4 stars; one submission).

Allele frequency attached by ClinVar (database versions not stated): gnomAD exomes below 0.00001; TOPMed below 0.00001; gnomAD 0.00001.
gnomAD v4.1: 3 of 1,612,842 alleles (0.00019%); highest among the groups gnomAD compares: Non-Finnish European, 0.00025%; no homozygotes.

Submission:

CeGaT Center for Human Genetics Tuebingen
Classification: Likely benign. Last evaluated: 2024-06-01. Review status: criteria provided, single submitter. Criteria: CeGaT Center For Human Genetics Tuebingen Variant Classification Criteria Version 2. Collection method: clinical testing. Allele origin: germline. Affected: yes. Observed: 1 variant allele.
Comment: AHNAK2: BP4